The following is an entry in ClinVar:

NM_052963.3(TOP1MT):c.1114C>T (p.Arg372Cys)

Gene: TOP1MT (DNA topoisomerase I mitochondrial; minus strand). Cytogenetic location: 8q24.3.
Variant type: single nucleotide variant.
Coding change: c.1114C>T on transcript NM_052963.3 (MANE Select); coding-DNA position 1114, C replaced by T.
Protein change: p.Arg372Cys; replaces arginine 372 with cysteine.
Molecular consequence: missense variant.
Genome position (GRCh38, 1-based): chr8:143,321,233, G>A on the plus strand (C>T on the coding strand, the complement: TOP1MT is on the minus strand). VCF-style: chr8-143321233-G-A. GRCh37 (hg19) VCF-style: chr8-144403403-G-A.
Other names: c.1114C>T (NM_052963.1); c.820C>T, p.Arg274Cys (NM_001258446.1, NM_001258447.1); short protein forms R274C, R372C.
Identifiers: ClinVar variation 3700800 (VCV003700800.3).

ClinVar aggregate classification (germline): Uncertain significance. Review status: criteria provided, multiple submitters, no conflicts (2 of 4 stars). 2 submissions from 2 submitters: Uncertain significance (2). Last evaluated 2025-09-01.

gnomAD v4.1: 10 of 1,610,730 alleles (0.00062%); highest among the groups gnomAD compares: Middle Eastern, 0.016%; no homozygotes.

Submissions (2):

Ambry Genetics
Classification: Uncertain significance. Last evaluated: 2025-09-01. Review status: criteria provided, single submitter. Criteria: Ambry Variant Classification Scheme 2023. Collection method: clinical testing. Allele origin: germline.

Labcorp Genetics (formerly Invitae), Labcorp
Classification: Uncertain significance. Last evaluated: 2024-07-31. Review status: criteria provided, single submitter. Criteria: Invitae Variant Classification Sherloc (09022015). Collection method: clinical testing. Allele origin: germline.
Comment: This sequence change replaces arginine, which is basic and polar, with cysteine, which is neutral and slightly polar, at codon 372 of the TOP1MT protein (p.Arg372Cys). This variant is present in population databases (rs369953420, gnomAD 0.0009%). This variant has not been reported in the literature in individuals affected with TOP1MT-related conditions. Advanced modeling of protein sequence and biophysical properties (such as structural, functional, and spatial information, amino acid conservation, physicochemical variation, residue mobility, and thermodynamic stability) performed at Invitae indicates that this missense variant is expected to disrupt TOP1MT protein function with a positive predictive value of 80%. In summary, the available evidence is currently insufficient to determine the role of this variant in disease. Therefore, it has been classified as a Variant of Uncertain Significance.